The following is an entry in ClinVar:

ClinVar aggregate classification (germline): Uncertain significance (1 of 4 stars; one submission).

Submission:

GeneDx
Classification: Uncertain significance. Last evaluated: 2025-04-23. Review status: criteria provided, single submitter. Criteria: GeneDx Variant Classification Process June 2021. Collection method: clinical testing. Allele origin: germline. Affected: yes.
Comment: Not observed at significant frequency in large population cohorts (gnomAD); In silico analysis supports that this missense variant has a deleterious effect on protein structure/function; Has not been previously published as pathogenic or benign to our knowledge

NM_020180.4(CELF4):c.223G>A (p.Glu75Lys)

Gene: CELF4 (CUGBP Elav-like family member 4; minus strand). Cytogenetic location: 18q12.2.
Variant type: single nucleotide variant.
Coding change: c.223G>A on transcript NM_020180.4 (MANE Select); coding-DNA position 223, G replaced by A.
Protein change: p.Glu75Lys; replaces glutamic acid 75 with lysine.
Molecular consequence: missense variant. On other transcripts: non-coding transcript variant (11).
Genome position (GRCh38, 1-based): chr18:37,565,419, C>T on the plus strand (G>A on the coding strand, the complement: CELF4 is on the minus strand). VCF-style: chr18-37565419-C-T. GRCh37 (hg19) VCF-style: chr18-35145382-C-T.
Other names: c.223G>A, p.Glu75Lys (NM_001025087.2, NM_001025088.2, NM_001025089.2 and 61 more transcripts); short protein forms E75K.
Identifiers: ClinVar variation 4527636 (VCV004527636.1).